The following is an entry in ClinVar:

NM_000844.4(GRM7):c.878+4A>G

Gene: GRM7 (glutamate metabotropic receptor 7; plus strand). Cytogenetic location: 3p26.1.
Variant type: single nucleotide variant.
Coding change: c.878+4A>G on transcript NM_000844.4 (MANE Select); 4 bases into the intron after coding-DNA position 878, A replaced by G.
Molecular consequence: intron variant.
Genome position (GRCh38, 1-based): chr3:7,298,829, A>G. VCF-style: chr3-7298829-A-G. GRCh37 (hg19) VCF-style: chr3-7340516-A-G.
Other names: c.878+4A>G (NM_181874.3).
Identifiers: ClinVar variation 2225490 (VCV002225490.2), dbSNP rs752598578, ClinGen allele CA2234708.

ClinVar aggregate classification (germline): Uncertain significance (1 of 4 stars; one submission).

Conditions:
Inborn genetic diseases. Identifiers: MedGen C0950123, MeSH D030342.

Allele frequency attached by ClinVar (database versions not stated): ExAC 0.00001; gnomAD 0.00001.
gnomAD v4.1: 1 of 1,612,594 alleles (0.000062%); highest among the groups gnomAD compares: Middle Eastern, 0.017%; no homozygotes.

Submission:

Ambry Genetics
Classification: Uncertain significance for Inborn genetic diseases. Last evaluated: 2022-01-08. Review status: criteria provided, single submitter. Criteria: Ambry Variant Classification Scheme 2023. Collection method: clinical testing. Allele origin: germline.
Comment: The c.878+4A>G intronic alteration consists of a A to G substitution nucleotides after coding exon 3 in the GRM7 gene. Based on insufficient or conflicting evidence, the clinical significance of this alteration remains unclear.